The following is an entry in ClinVar:

ClinVar aggregate classification (germline): Uncertain significance (1 of 4 stars; one submission).

Conditions:
MRTFB-related neurodevelopmental disorder.

Submission:

Dasa
Classification: Uncertain significance for MRTFB-related neurodevelopmental disorder. Last evaluated: 2026-02-17. Review status: criteria provided, single submitter. Criteria: DASA Assertion Criteria. Collection method: clinical testing. Allele origin: germline.
Comment: NM_001308142.2(MRTFB):c.1268A>C (p.Lys423Thr) is a missense variant that results in the substitution of lysine with threonine. This variant is rare in population databases. Computational prediction algorithms are consistent with a deleterious effect. The currently available literature and clinical evidence are not sufficient to establish a definitive association between this variant and the reported condition. Therefore, this variant is classified as a variant of uncertain significance.

NM_001308142.2(MRTFB):c.1268A>C (p.Lys423Thr)

Gene: MRTFB (myocardin related transcription factor B; plus strand). Cytogenetic location: 16p13.12.
Variant type: single nucleotide variant.
Coding change: c.1268A>C on transcript NM_001308142.2 (MANE Select); coding-DNA position 1268, A replaced by C.
Protein change: p.Lys423Thr; replaces lysine 423 with threonine.
Molecular consequence: missense variant.
Genome position (GRCh38, 1-based): chr16:14,246,528, A>C. VCF-style: chr16-14246528-A-C. GRCh37 (hg19) VCF-style: chr16-14340385-A-C.
Other names: c.1235A>C, p.Lys412Thr (NM_001365411.2); c.1268A>C, p.Lys423Thr (NM_001365412.2, NM_014048.4); c.1055A>C, p.Lys352Thr (NM_001365413.2, NM_001365414.2); short protein forms K352T, K412T, K423T.
Identifiers: ClinVar variation 4883236 (VCV004883236.2).
Genomic context (GRCh38, chr16:14,246,528, plus strand): 5'-TCCAGGTATCAGAACTGAAGACAGAACTGAAGTTAAGGGGTCTGCCAGTGTCAGGCACCA[A>C]ACCGGACCTCATTGAGCGCCTAAAACCCTACCAGGAAGTGAACAGCAGCGGCCTTGCTGC-3'
Protein context (NP_001295071.1, residues 413-433): KLRGLPVSGT[Lys423Thr]PDLIERLKPY